The following is an entry in ClinVar:

NM_000257.4(MYH7):c.641G>A (p.Gly214Asp)

Gene: MYH7 (myosin heavy chain 7; minus strand). Cytogenetic location: 14q11.2.
Variant type: single nucleotide variant.
Coding change: c.641G>A on transcript NM_000257.4 (MANE Select); coding-DNA position 641, G replaced by A.
Protein change: p.Gly214Asp; replaces glycine 214 with aspartic acid.
Molecular consequence: missense variant.
Genome position (GRCh38, 1-based): chr14:23,431,676, C>T on the plus strand (G>A on the coding strand, the complement: MYH7 is on the minus strand). VCF-style: chr14-23431676-C-T. GRCh37 (hg19) VCF-style: chr14-23900885-C-T.
Other names: c.641G>A, p.Gly214Asp (NM_001407004.1); short protein forms G214D.
Identifiers: ClinVar variation 2506164 (VCV002506164.4), dbSNP rs1228456615, ClinGen allele CA389052351.

ClinVar aggregate classification (germline): Uncertain significance. Review status: criteria provided, multiple submitters, no conflicts (2 of 4 stars). 2 submissions from 2 submitters: Uncertain significance (2). Last evaluated 2023-05-23.

Conditions:
Hypertrophic cardiomyopathy. Also called: HYPERTROPHIC MYOCARDIOPATHY. Identifiers: Orphanet 217569, MedGen C0007194, MeSH D002312, MONDO:0005045, HP:0001639.

Submissions (2):

Women's Health and Genetics/Laboratory Corporation of America, LabCorp
Classification: Uncertain significance. Last evaluated: 2023-05-23. Review status: criteria provided, single submitter. Criteria: LabCorp Variant Classification Summary - May 2015. Collection method: clinical testing. Allele origin: germline.
Comment: Variant summary: MYH7 c.641G>A (p.Gly214Asp) results in a non-conservative amino acid change located in the Myosin head, motor domain (IPR001609) of the encoded protein sequence. Five of five in-silico tools predict a damaging effect of the variant on protein function. The variant was absent in 251488 control chromosomes (gnomAD). The available data on variant occurrences in the general population are insufficient to allow any conclusion about variant significance. c.641G>A has been reported in the literature in individuals affected with Cardiomyopathy without strong evidence of causality (Waldmuller_2008, Walsh_2017). These reports do not provide unequivocal conclusions about association of the variant with Cardiomyopathy. To our knowledge, no experimental evidence demonstrating an impact on protein function has been reported. The following publications have been ascertained in the context of this evaluation (PMID: 18258667, 27532257). No clinical diagnostic laboratories have submitted clinical-significance assessments for this variant to ClinVar after 2014. Based on the evidence outlined above, the variant was classified as uncertain significance.

Labcorp Genetics (formerly Invitae), Labcorp
Classification: Uncertain significance for Hypertrophic cardiomyopathy. Last evaluated: 2023-04-06. Review status: criteria provided, single submitter. Criteria: Invitae Variant Classification Sherloc (09022015). Collection method: clinical testing. Allele origin: germline.
Comment: This sequence change replaces glycine, which is neutral and non-polar, with aspartic acid, which is acidic and polar, at codon 214 of the MYH7 protein (p.Gly214Asp). This variant is not present in population databases (gnomAD no frequency). This missense change has been observed in individual(s) with hypertrophic cardiomyopathy (PMID: 18258667, 27532257). An algorithm developed to predict the effect of missense changes on protein structure and function (PolyPhen-2) suggests that this variant is likely to be disruptive. In summary, the available evidence is currently insufficient to determine the role of this variant in disease. Therefore, it has been classified as a Variant of Uncertain Significance.

Literature cited by the submitters: PubMed 18258667 (cited by Women's Health and Genetics/Laboratory Corporation of America, LabCorp and Labcorp Genetics (formerly Invitae), Labcorp); PubMed 27532257 (cited by Women's Health and Genetics/Laboratory Corporation of America, LabCorp and Labcorp Genetics (formerly Invitae), Labcorp).